The following is an entry in ClinVar:

ClinVar aggregate classification (germline): Conflicting classifications of pathogenicity. Review status: criteria provided, conflicting classifications (1 of 4 stars). 2 submissions from 2 submitters: Uncertain significance (1); Likely benign (1). Last evaluated 2022-08-01.

Conditions:
46,XY sex reversal 9 (SRXY9). Also called: 46,XY SEX REVERSAL, ZFPM2-RELATED. Identifiers: Orphanet 251510, MedGen C4015129, MONDO:0014480, OMIM 616067.

Allele frequency attached by ClinVar (database versions not stated): gnomAD exomes 0.00006 and 0.00011; ESP Exome Variant Server 0.00008; ExAC 0.00012; 1000 Genomes Project 0.00040; 1000 Genomes Project 30x 0.00047.

Submissions (2):

CeGaT Center for Human Genetics Tuebingen
Classification: Likely benign. Last evaluated: 2022-08-01. Review status: criteria provided, single submitter. Criteria: CeGaT Center For Human Genetics Tuebingen Variant Classification Criteria Version 2. Collection method: clinical testing. Allele origin: germline. Affected: yes. Observed: 1 variant allele.
Comment: ZFPM2: BP4

Labcorp Genetics (formerly Invitae), Labcorp
Classification: Uncertain significance for 46,XY sex reversal 9. Last evaluated: 2021-05-26. Review status: criteria provided, single submitter. Criteria: Invitae Variant Classification Sherloc (09022015). Collection method: clinical testing. Allele origin: germline.
Comment: This sequence change replaces methionine with valine at codon 148 of the ZFPM2 protein (p.Met148Val). The methionine residue is weakly conserved and there is a small physicochemical difference between methionine and valine. In summary, the available evidence is currently insufficient to determine the role of this variant in disease. Therefore, it has been classified as a Variant of Uncertain Significance. Algorithms developed to predict the effect of missense changes on protein structure and function (SIFT, PolyPhen-2, Align-GVGD) all suggest that this variant is likely to be tolerated, but these predictions have not been confirmed by published functional studies and their clinical significance is uncertain. This variant has not been reported in the literature in individuals with ZFPM2-related conditions. This variant is present in population databases (rs370456245, ExAC 0.04%), and has an allele count higher than expected for a pathogenic variant (PMID: 28166811).

Literature cited by the submitters: PubMed 28166811 (cited by Labcorp Genetics (formerly Invitae), Labcorp).

NM_012082.4(ZFPM2):c.442A>G (p.Met148Val)

Gene: ZFPM2 (zinc finger protein, FOG family member 2; plus strand). Cytogenetic location: 8q23.1.
Variant type: single nucleotide variant.
Coding change: c.442A>G on transcript NM_012082.4 (MANE Select); coding-DNA position 442, A replaced by G.
Protein change: p.Met148Val; replaces methionine 148 with valine.
Molecular consequence: missense variant.
Genome position (GRCh38, 1-based): chr8:105,634,267, A>G. VCF-style: chr8-105634267-A-G. GRCh37 (hg19) VCF-style: chr8-106646495-A-G.
Other names: c.283A>G, p.Met95Val (NM_001362836.2); c.46A>G, p.Met16Val (NM_001362837.2); short protein forms M95V, M148V, M16V.
Identifiers: ClinVar variation 1382710 (VCV001382710.37), dbSNP rs370456245, ClinGen allele CA4839522.